The following is an entry in ClinVar:

NM_020533.3(MCOLN1):c.949G>A (p.Ala317Thr)

Gene: MCOLN1 (mucolipin TRP cation channel 1; plus strand). Cytogenetic location: 19p13.2.
Variant type: single nucleotide variant.
Coding change: c.949G>A on transcript NM_020533.3 (MANE Select); coding-DNA position 949, G replaced by A.
Protein change: p.Ala317Thr; replaces alanine 317 with threonine.
Molecular consequence: missense variant.
Genome position (GRCh38, 1-based): chr19:7,528,668, G>A. VCF-style: chr19-7528668-G-A. GRCh37 (hg19) VCF-style: chr19-7593554-G-A.
Other names: short protein forms A317T.
Identifiers: ClinVar variation 330496 (VCV000330496.10), dbSNP rs137887342, ClinGen allele CA9138962.

ClinVar aggregate classification (germline): Uncertain significance. Review status: criteria provided, multiple submitters, no conflicts (2 of 4 stars). 3 submissions from 3 submitters: Uncertain significance (3). Last evaluated 2026-01-19.

Conditions:
Inborn genetic diseases. Identifiers: MedGen C0950123, MeSH D030342.
Mucolipidosis type IV (ML4). Also called: ML IV. Identifiers: Orphanet 578, MedGen C0238286, MONDO:0009653, OMIM 252650.

Allele frequency attached by ClinVar (database versions not stated): gnomAD 0.00005 and 0.00006; TOPMed 0.00007; ESP Exome Variant Server 0.00023.
gnomAD v4.1: 209 of 1,614,034 alleles (0.013%); highest among the groups gnomAD compares: South Asian, 0.015%; no homozygotes.

Submissions (3):

Labcorp Genetics (formerly Invitae), Labcorp
Classification: Uncertain significance for Mucolipidosis type IV. Last evaluated: 2026-01-19. Review status: criteria provided, single submitter. Criteria: Invitae Variant Classification Sherloc (09022015). Collection method: clinical testing. Allele origin: germline.
Comment: This sequence change replaces alanine, which is neutral and non-polar, with threonine, which is neutral and polar, at codon 317 of the MCOLN1 protein (p.Ala317Thr). This variant is present in population databases (rs137887342, gnomAD 0.02%). This variant has not been reported in the literature in individuals affected with MCOLN1-related conditions. ClinVar contains an entry for this variant (Variation ID: 330496). Invitae Evidence Modeling of protein sequence and biophysical properties (such as structural, functional, and spatial information, amino acid conservation, physicochemical variation, residue mobility, and thermodynamic stability) indicates that this missense variant is not expected to disrupt MCOLN1 protein function with a negative predictive value of 95%. In summary, the available evidence is currently insufficient to determine the role of this variant in disease. Therefore, it has been classified as a Variant of Uncertain Significance.

Ambry Genetics
Classification: Uncertain significance for Inborn genetic diseases. Last evaluated: 2025-08-08. Review status: criteria provided, single submitter. Criteria: Ambry Variant Classification Scheme 2023. Collection method: clinical testing. Allele origin: germline.

Illumina Laboratory Services, Illumina
Classification: Uncertain significance for Mucolipidosis type IV. Last evaluated: 2018-01-13. Review status: criteria provided, single submitter. Criteria: ICSL Variant Classification Criteria 13 December 2019. Collection method: clinical testing. Allele origin: germline.